The following is an entry in ClinVar:

NM_001130965.3(SUN1):c.1109C>T (p.Ala370Val)

Gene: SUN1 (Sad1 and UNC84 domain containing 1; plus strand). Cytogenetic location: 7p22.3.
Variant type: single nucleotide variant.
Coding change: c.1109C>T on transcript NM_001130965.3 (MANE Select); coding-DNA position 1109, C replaced by T.
Protein change: p.Ala370Val; replaces alanine 370 with valine.
Molecular consequence: missense variant. On other transcripts: non-coding transcript variant (3).
Genome position (GRCh38, 1-based): chr7:853,464, C>T. VCF-style: chr7-853464-C-T. GRCh37 (hg19) VCF-style: chr7-893101-C-T.
Other names: c.1217C>T, p.Ala406Val (NM_001367638.1); c.650C>T, p.Ala217Val (NM_001367639.1); c.1289C>T, p.Ala430Val (NM_001367640.1); c.1391C>T, p.Ala464Val (NM_001367641.1, NM_001367682.1); c.1094C>T, p.Ala365Val (NM_001367642.1); c.1301C>T, p.Ala434Val (NM_001367643.1); c.1040C>T, p.Ala347Val (NM_001367644.1); c.1070C>T, p.Ala357Val (NM_001367645.1, NM_001367667.1, NM_001367689.1); and 38 more; short protein forms A253V, A287V, A320V, A324V, A347V, A385V, A413V, A423V.
Identifiers: ClinVar variation 3675006 (VCV003675006.2).

ClinVar aggregate classification (germline): Uncertain significance (1 of 4 stars; one submission).

Conditions:
Emery-Dreifuss muscular dystrophy (EDMD). Also called: Scapuloperoneal syndrome, X-linked (formerly); Humeroperoneal neuromuscular disease, (formerly). Identifiers: Orphanet 261, MedGen C0410189, MONDO:0016830.

gnomAD v4.1: 1 of 1,614,042 alleles (0.000062%); highest among the groups gnomAD compares: Non-Finnish European, 0.000085%; no homozygotes.

Submission:

Labcorp Genetics (formerly Invitae), Labcorp
Classification: Uncertain significance for Emery-Dreifuss muscular dystrophy. Last evaluated: 2024-11-29. Review status: criteria provided, single submitter. Criteria: Invitae Variant Classification Sherloc (09022015). Collection method: clinical testing. Allele origin: germline.
Comment: This sequence change replaces alanine, which is neutral and non-polar, with valine, which is neutral and non-polar, at codon 370 of the SUN1 protein (p.Ala370Val). This variant is not present in population databases (gnomAD no frequency). This variant has not been reported in the literature in individuals affected with SUN1-related conditions. An algorithm developed to predict the effect of missense changes on protein structure and function (PolyPhen-2) suggests that this variant is likely to be tolerated. In summary, the available evidence is currently insufficient to determine the role of this variant in disease. Therefore, it has been classified as a Variant of Uncertain Significance.